The following is an entry in ClinVar:

ClinVar aggregate classification (germline): Uncertain significance (1 of 4 stars; one submission).

Conditions:
Dilated cardiomyopathy 1DD (CMD1DD). Identifiers: Orphanet 154, MedGen C2750995, MONDO:0013168, OMIM 613172.

Submission:

Labcorp Genetics (formerly Invitae), Labcorp
Classification: Uncertain significance for Dilated cardiomyopathy 1DD. Last evaluated: 2025-09-23. Review status: criteria provided, single submitter. Criteria: Invitae Variant Classification Sherloc (09022015). Collection method: clinical testing. Allele origin: germline.
Comment: This sequence change replaces glutamine, which is neutral and polar, with leucine, which is neutral and non-polar, at codon 95 of the RBM20 protein (p.Gln95Leu). This variant is not present in population databases (gnomAD no frequency). This variant has not been reported in the literature in individuals affected with RBM20-related conditions. Invitae Evidence Modeling of protein sequence and biophysical properties (such as structural, functional, and spatial information, amino acid conservation, physicochemical variation, residue mobility, and thermodynamic stability) has been performed for this missense variant. However, the output from this modeling did not meet the statistical confidence thresholds required to predict the impact of this variant on RBM20 protein function. In summary, the available evidence is currently insufficient to determine the role of this variant in disease. Therefore, it has been classified as a Variant of Uncertain Significance.

NM_001134363.3(RBM20):c.284A>T (p.Gln95Leu)

Gene: RBM20 (RNA binding motif protein 20; plus strand). Cytogenetic location: 10q25.2.
Variant type: single nucleotide variant.
Coding change: c.284A>T on transcript NM_001134363.3 (MANE Select); coding-DNA position 284, A replaced by T.
Protein change: p.Gln95Leu; replaces glutamine 95 with leucine.
Molecular consequence: missense variant.
Genome position (GRCh38, 1-based): chr10:110,780,893, A>T. VCF-style: chr10-110780893-A-T. GRCh37 (hg19) VCF-style: chr10-112540651-A-T.
Other names: short protein forms Q95L.
Identifiers: ClinVar variation 4802643 (VCV004802643.1).